The following is an entry in ClinVar:

ClinVar aggregate classification (germline): Likely benign (1 of 4 stars; one submission).

Conditions:
CDH23-related disorder. Also called: CDH23-related disorders; CDH23-related condition.

Submission:

PreventionGenetics, part of Exact Sciences
Classification: Likely benign for CDH23-related condition. Last evaluated: 2024-10-13. Review status: criteria provided, single submitter. Criteria: ACMG Guidelines, 2015. Collection method: clinical testing. Allele origin: germline.
Comment: This variant is classified as likely benign based on ACMG/AMP sequence variant interpretation guidelines (Richards et al. 2015 PMID: 25741868, with internal and published modifications).

NM_022124.6(CDH23):c.6432G>T (p.Val2144=)

Gene: CDH23 (cadherin related 23; plus strand). Cytogenetic location: 10q22.1.
Variant type: single nucleotide variant.
Coding change: c.6432G>T on transcript NM_022124.6 (MANE Select); coding-DNA position 6432, G replaced by T.
Protein change: p.Val2144=; no amino-acid change (valine 2144 retained).
Molecular consequence: synonymous variant.
Genome position (GRCh38, 1-based): chr10:71,793,360, G>T. VCF-style: chr10-71793360-G-T. GRCh37 (hg19) VCF-style: chr10-73553117-G-T.
Identifiers: ClinVar variation 4982329 (VCV004982329.1).